The following is an entry in ClinVar:

ClinVar aggregate classification (germline): Benign/Likely benign. Review status: criteria provided, multiple submitters, no conflicts (2 of 4 stars). 4 submissions from 4 submitters: Benign (2); Likely benign (2). Last evaluated 2023-04-01.

Allele frequency attached by ClinVar (database versions not stated): 1000 Genomes Project 0.00280; 1000 Genomes Project 30x 0.00281; gnomAD 0.00686 and 0.00702; gnomAD exomes 0.00716 and 0.01077; TOPMed 0.00725; ExAC 0.00734; ESP Exome Variant Server 0.00891.
gnomAD v4.1: 16,580 of 1,600,384 alleles (1%); highest among the groups gnomAD compares: Non-Finnish European, 1.3%; 113 homozygotes.

Submissions 1 to 33 of 65:

CeGaT Center for Human Genetics Tuebingen
Classification: Benign. Last evaluated: 2023-04-01. Review status: criteria provided, single submitter. Criteria: CeGaT Center For Human Genetics Tuebingen Variant Classification Criteria Version 2. Collection method: clinical testing. Allele origin: germline. Affected: yes. Observed: 2 variant alleles.
Comment: NEIL1: BS1, BS2

GeneDx
Classification: Likely benign. Last evaluated: 2021-04-26. Review status: criteria provided, single submitter. Criteria: GeneDx Variant Classification Process June 2021. Collection method: clinical testing. Allele origin: germline. Affected: yes.
Comment: This variant is associated with the following publications: (PMID: 25525159, 18515411, 26662719)

Labcorp Genetics (formerly Invitae), Labcorp
Classification: Benign. Last evaluated: 2019-12-31. Review status: criteria provided, single submitter. Criteria: Invitae Variant Classification Sherloc (09022015). Collection method: clinical testing. Allele origin: germline.

Breakthrough Genomics
Classification: Likely benign. Review status: criteria provided, single submitter. Criteria: ACMG Guidelines, 2015. Collection method: not provided. Allele origin: germline. Inheritance: Unknown mechanism. Affected: yes.

Dr. Peter K. Rogan Lab, Western University
No classification provided (evidence only). Condition: Clear cell carcinoma of kidney. Review status: no classification provided. Collection method: in vitro. Allele origin: not applicable. Functional consequence: retained intron. Not counted in ClinVar's aggregate classification.

Dr. Peter K. Rogan Lab, Western University
No classification provided (evidence only). Condition: Clear cell carcinoma of kidney. Review status: no classification provided. Collection method: in vitro. Allele origin: not applicable. Functional consequence: retained intron. Not counted in ClinVar's aggregate classification.

Dr. Peter K. Rogan Lab, Western University
No classification provided (evidence only). Condition: Clear cell carcinoma of kidney. Review status: no classification provided. Collection method: in vitro. Allele origin: not applicable. Functional consequence: retained intron. Not counted in ClinVar's aggregate classification.

Dr. Peter K. Rogan Lab, Western University
No classification provided (evidence only). Condition: Lung cancer. Review status: no classification provided. Collection method: in vitro. Allele origin: not applicable. Functional consequence: retained intron. Not counted in ClinVar's aggregate classification.

Dr. Peter K. Rogan Lab, Western University
No classification provided (evidence only). Condition: Lung cancer. Review status: no classification provided. Collection method: in vitro. Allele origin: not applicable. Functional consequence: retained intron. Not counted in ClinVar's aggregate classification.

Dr. Peter K. Rogan Lab, Western University
No classification provided (evidence only). Condition: Lung cancer. Review status: no classification provided. Collection method: in vitro. Allele origin: not applicable. Functional consequence: skipped exon, retained intron. Not counted in ClinVar's aggregate classification.

Dr. Peter K. Rogan Lab, Western University
No classification provided (evidence only). Condition: Lung cancer. Review status: no classification provided. Collection method: in vitro. Allele origin: not applicable. Functional consequence: retained intron. Not counted in ClinVar's aggregate classification.

Dr. Peter K. Rogan Lab, Western University
No classification provided (evidence only). Condition: Lung cancer. Review status: no classification provided. Collection method: in vitro. Allele origin: not applicable. Functional consequence: retained intron. Not counted in ClinVar's aggregate classification.

Dr. Peter K. Rogan Lab, Western University
No classification provided (evidence only). Condition: Melanoma. Review status: no classification provided. Collection method: in vitro. Allele origin: not applicable. Functional consequence: retained intron. Not counted in ClinVar's aggregate classification.

Dr. Peter K. Rogan Lab, Western University
No classification provided (evidence only). Condition: Melanoma. Review status: no classification provided. Collection method: in vitro. Allele origin: not applicable. Functional consequence: retained intron. Not counted in ClinVar's aggregate classification.

Dr. Peter K. Rogan Lab, Western University
No classification provided (evidence only). Condition: Melanoma. Review status: no classification provided. Collection method: in vitro. Allele origin: not applicable. Functional consequence: retained intron. Not counted in ClinVar's aggregate classification.

Dr. Peter K. Rogan Lab, Western University
No classification provided (evidence only). Condition: Melanoma. Review status: no classification provided. Collection method: in vitro. Allele origin: not applicable. Functional consequence: retained intron. Not counted in ClinVar's aggregate classification.

Dr. Peter K. Rogan Lab, Western University
No classification provided (evidence only). Condition: Melanoma. Review status: no classification provided. Collection method: in vitro. Allele origin: not applicable. Functional consequence: retained intron. Not counted in ClinVar's aggregate classification.

Dr. Peter K. Rogan Lab, Western University
No classification provided (evidence only). Condition: Melanoma. Review status: no classification provided. Collection method: in vitro. Allele origin: not applicable. Functional consequence: retained intron. Not counted in ClinVar's aggregate classification.

Dr. Peter K. Rogan Lab, Western University
No classification provided (evidence only). Condition: Melanoma. Review status: no classification provided. Collection method: in vitro. Allele origin: not applicable. Functional consequence: retained intron. Not counted in ClinVar's aggregate classification.

Dr. Peter K. Rogan Lab, Western University
No classification provided (evidence only). Condition: Melanoma. Review status: no classification provided. Collection method: in vitro. Allele origin: not applicable. Functional consequence: retained intron. Not counted in ClinVar's aggregate classification.

Dr. Peter K. Rogan Lab, Western University
No classification provided (evidence only). Condition: Acute myeloid leukemia. Review status: no classification provided. Collection method: in vitro. Allele origin: not applicable. Functional consequence: retained intron. Not counted in ClinVar's aggregate classification.

Dr. Peter K. Rogan Lab, Western University
No classification provided (evidence only). Condition: Acute myeloid leukemia. Review status: no classification provided. Collection method: in vitro. Allele origin: not applicable. Functional consequence: retained intron. Not counted in ClinVar's aggregate classification.

Dr. Peter K. Rogan Lab, Western University
No classification provided (evidence only). Condition: Acute myeloid leukemia. Review status: no classification provided. Collection method: in vitro. Allele origin: not applicable. Functional consequence: retained intron. Not counted in ClinVar's aggregate classification.

Dr. Peter K. Rogan Lab, Western University
No classification provided (evidence only). Condition: Colon adenocarcinoma. Review status: no classification provided. Collection method: in vitro. Allele origin: not applicable. Functional consequence: retained intron. Not counted in ClinVar's aggregate classification.

Dr. Peter K. Rogan Lab, Western University
No classification provided (evidence only). Condition: Colon adenocarcinoma. Review status: no classification provided. Collection method: in vitro. Allele origin: not applicable. Functional consequence: retained intron. Not counted in ClinVar's aggregate classification.

Dr. Peter K. Rogan Lab, Western University
No classification provided (evidence only). Condition: Colon adenocarcinoma. Review status: no classification provided. Collection method: in vitro. Allele origin: not applicable. Functional consequence: retained intron. Not counted in ClinVar's aggregate classification.

Dr. Peter K. Rogan Lab, Western University
No classification provided (evidence only). Condition: Colorectal cancer. Review status: no classification provided. Collection method: in vitro. Allele origin: not applicable. Functional consequence: retained intron. Not counted in ClinVar's aggregate classification.

Dr. Peter K. Rogan Lab, Western University
No classification provided (evidence only). Condition: Colorectal cancer. Review status: no classification provided. Collection method: in vitro. Allele origin: not applicable. Functional consequence: retained intron. Not counted in ClinVar's aggregate classification.

Dr. Peter K. Rogan Lab, Western University
No classification provided (evidence only). Condition: Thyroid cancer, nonmedullary, 1. Review status: no classification provided. Collection method: in vitro. Allele origin: not applicable. Functional consequence: retained intron. Not counted in ClinVar's aggregate classification.

Dr. Peter K. Rogan Lab, Western University
No classification provided (evidence only). Condition: Thyroid cancer, nonmedullary, 1. Review status: no classification provided. Collection method: in vitro. Allele origin: not applicable. Functional consequence: retained intron. Not counted in ClinVar's aggregate classification.

Dr. Peter K. Rogan Lab, Western University
No classification provided (evidence only). Condition: Thyroid cancer, nonmedullary, 1. Review status: no classification provided. Collection method: in vitro. Allele origin: not applicable. Functional consequence: skipped exon, retained intron. Not counted in ClinVar's aggregate classification.

Dr. Peter K. Rogan Lab, Western University
No classification provided (evidence only). Condition: Uterine corpus endometrial carcinoma. Review status: no classification provided. Collection method: in vitro. Allele origin: not applicable. Functional consequence: retained intron. Not counted in ClinVar's aggregate classification.

Dr. Peter K. Rogan Lab, Western University
No classification provided (evidence only). Condition: Uterine corpus endometrial carcinoma. Review status: no classification provided. Collection method: in vitro. Allele origin: not applicable. Functional consequence: retained intron. Not counted in ClinVar's aggregate classification.

NM_024608.4(NEIL1):c.434+2T>C

Gene: NEIL1 (nei like DNA glycosylase 1; plus strand). Cytogenetic location: 15q24.2.
Variant type: single nucleotide variant.
Coding change: c.434+2T>C on transcript NM_024608.4 (MANE Select); the canonical splice donor site of the intron after coding-DNA position 434, T replaced by C.
Molecular consequence: splice donor variant.
Genome position (GRCh38, 1-based): chr15:75,349,341, T>C. VCF-style: chr15-75349341-T-C. GRCh37 (hg19) VCF-style: chr15-75641682-T-C.
Other names: NC_000015.9:g.75641682T>C; c.128+2T>C (NM_001352520.2); c.99+2T>C (NM_001352519.2); c.692+2T>C (NM_001256552.1).
Identifiers: ClinVar variation 790285 (VCV000790285.32), dbSNP rs5745908, ClinGen allele CA7665488.